The following is an entry in ClinVar:

NC_000023.10:g.(?_123497345)_(123505232_?)del

Gene: SH2D1A (SH2 domain containing 1A; plus strand). Cytogenetic location: Xq25.
Variant type: Deletion.
Identifiers: ClinVar variation 3244992 (VCV003244992.1).

ClinVar aggregate classification (germline): Likely pathogenic (1 of 4 stars; one submission).

Conditions:
X-linked lymphoproliferative disease due to SH2D1A deficiency (XLP1). Also called: SH2D1A-Related Lymphoproliferative Disease, X-Linked; EBV infection severe susceptibility to; Epstein Barr virus infection familial fatal; Duncan's syndrome; DUNCAN DISEASE; IMMUNODEFICIENCY 5. Identifiers: Orphanet 2442, Orphanet 538931, MedGen C5399825, MONDO:0024551, OMIM 308240.

Submission:

Labcorp Genetics (formerly Invitae), Labcorp
Classification: Likely pathogenic for X-linked lymphoproliferative disease due to SH2D1A deficiency. Last evaluated: 2020-01-21. Review status: criteria provided, single submitter. Criteria: Invitae Variant Classification Sherloc (09022015). Collection method: clinical testing. Allele origin: unknown.
Comment: In summary, the currently available evidence indicates that the variant is pathogenic, but additional data are needed to prove that conclusively. Therefore, this variant has been classified as Likely Pathogenic. This variant disrupts the p.Gly93 amino acid residue in SH2D1A. Other variant(s) that disrupt this residue have been determined to be pathogenic (PMID: 11414741, 28482391, 28816794). This suggests that this residue is clinically significant, and that variants that disrupt this residue are likely to be disease-causing. This variant has not been reported in the literature in individuals with SH2D1A-related conditions. This variant results in the deletion of exon(s) 2-3 and part of exon 4 (c.138-2266_378delinsT) of the SH2D1A gene. While this is not anticipated to result in nonsense mediated decay, it likely alters RNA splicing and results in a disrupted protein product.

Literature cited by the submitters: PubMed 11414741; PubMed 28482391; PubMed 28816794.